The following is an entry in ClinVar:

ClinVar aggregate classification (germline): Pathogenic (1 of 4 stars; one submission).

Conditions:
Ehlers-Danlos syndrome, classic type, 1 (EDSCL1). Also called: EHLERS-DANLOS SYNDROME, GRAVIS TYPE; EHLERS-DANLOS SYNDROME, SEVERE CLASSIC TYPE; Ehlers-Danlos syndrome, type 1; Ehlers-Danlos Syndrome, Classic Type, COL5A1-Related; EDS I. Identifiers: MedGen C0268335, MONDO:0019567, OMIM 130000.

Submission:

Labcorp Genetics (formerly Invitae), Labcorp
Classification: Pathogenic for Ehlers-Danlos syndrome, classic type, 1. Last evaluated: 2021-10-11. Review status: criteria provided, single submitter. Criteria: Invitae Variant Classification Sherloc (09022015). Collection method: clinical testing. Allele origin: germline.
Comment: The frequency data for this variant in the population databases is considered unreliable, as metrics indicate insufficient coverage at this position in the ExAC database. This variant has not been reported in the literature in individuals with COL5A1-related conditions. For these reasons, this variant has been classified as Pathogenic. This sequence change creates a premature translational stop signal (p.Ala36Glnfs*8) in the COL5A1 gene. It is expected to result in an absent or disrupted protein product. Loss-of-function variants in COL5A1 are known to be pathogenic (PMID: 23587214).

Literature cited by the submitters: PubMed 23587214.

NM_000093.5(COL5A1):c.105del (p.Ala36fs)

Gene: COL5A1 (collagen type V alpha 1 chain; plus strand). Cytogenetic location: 9q34.3.
Variant type: Deletion.
Coding change: c.105del on transcript NM_000093.5 (MANE Select); coding-DNA position 105, one base deleted (C; older notation c.105delC).
Protein change: p.Ala36fs; shifts the reading frame from alanine 36.
Molecular consequence: frameshift variant.
Genome position (GRCh38, 1-based): chr9:134,642,292, C deleted. VCF-style (leftmost placement, unchanged base first): chr9-134642291-GC-G. GRCh37 (hg19) VCF-style: chr9-137534137-GC-G.
Other names: c.105del, p.Ala36fs (NM_001278074.1); short protein forms A36fs.
Identifiers: ClinVar variation 1456330 (VCV001456330.6), dbSNP rs2132455125, ClinGen allele CA2573144109.